The following is an entry in ClinVar:

NM_139125.4(MASP1):c.1708A>G (p.Met570Val)

Gene: MASP1 (MBL associated serine protease 1; minus strand). Cytogenetic location: 3q27.3.
Variant type: single nucleotide variant.
Coding change: c.1708A>G on transcript NM_139125.4 (MANE Select); coding-DNA position 1708, A replaced by G.
Protein change: p.Met570Val; replaces methionine 570 with valine.
Molecular consequence: missense variant. On other transcripts: non-coding transcript variant (1), intron variant (1).
Genome position (GRCh38, 1-based): chr3:187,236,163, T>C on the plus strand (A>G on the coding strand, the complement: MASP1 is on the minus strand). VCF-style: chr3-187236163-T-C. GRCh37 (hg19) VCF-style: chr3-186953951-T-C.
Other names: c.1303+5318A>G (NM_001879.6); short protein forms M570V.
Identifiers: ClinVar variation 2136249 (VCV002136249.4), dbSNP rs138234047, ClinGen allele CA2749201.

ClinVar aggregate classification (germline): Conflicting classifications of pathogenicity. Review status: criteria provided, conflicting classifications (1 of 4 stars). 3 submissions from 3 submitters: Uncertain significance (2); Likely benign (1). Last evaluated 2025-08-13.

Conditions:
3MC syndrome 1. Also called: CRANIOSYNOSTOSIS WITH LID ANOMALIES; OCULOPALATOSKELETAL SYNDROME; MICHELS SYNDROME. Identifiers: Orphanet 293843, MedGen C0796059, MONDO:0009770, OMIM 257920.
Inborn genetic diseases. Identifiers: MedGen C0950123, MeSH D030342.

Allele frequency attached by ClinVar (database versions not stated): gnomAD 0.00001; ExAC 0.00002; gnomAD exomes 0.00002; TOPMed 0.00002; ESP Exome Variant Server 0.00015.
gnomAD v4.1: 38 of 1,613,798 alleles (0.0024%); highest among the groups gnomAD compares: Middle Eastern, 0.033%; no homozygotes.

Submissions (3):

Ambry Genetics
Classification: Uncertain significance for Inborn genetic diseases. Last evaluated: 2025-08-13. Review status: criteria provided, single submitter. Criteria: Ambry Variant Classification Scheme 2023. Collection method: clinical testing. Allele origin: germline.

GeneDx
Classification: Uncertain significance. Last evaluated: 2025-06-17. Review status: criteria provided, single submitter. Criteria: GeneDx Variant Classification Process June 2021. Collection method: clinical testing. Allele origin: germline. Affected: yes.
Comment: In silico analysis suggests that this missense variant does not alter protein structure/function; Has not been previously published as pathogenic or benign to our knowledge

3billion
Classification: Likely benign for 3MC syndrome 1. Last evaluated: 2024-09-20. Review status: criteria provided, single submitter. Criteria: ACMG Guidelines, 2015. Collection method: clinical testing. Allele origin: germline. Affected: no.
Comment: The homozygous variant was found in patients diagnosed with another variant in a different gene, with no symptoms related to the gene containing the homozygous variant.